The following is an entry in ClinVar:

ClinVar aggregate classification (germline): Pathogenic. Review status: criteria provided, multiple submitters, no conflicts (2 of 4 stars). 2 submissions from 2 submitters: Pathogenic (2). Last evaluated 2019-06-02.

Submissions (2):

Labcorp Genetics (formerly Invitae), Labcorp
Classification: Pathogenic. Last evaluated: 2019-06-02. Review status: criteria provided, single submitter. Criteria: Invitae Variant Classification Sherloc (09022015). Collection method: clinical testing. Allele origin: germline.
Comment: This sequence change creates a premature translational stop signal (p.Gln246Argfs*10) in the FH gene. It is expected to result in an absent or disrupted protein product. For these reasons, this variant has been classified as Pathogenic. Loss-of-function variants in FH are known to be pathogenic (PMID: 11865300, 21398687). This variant has not been reported in the literature in individuals with FH-related conditions. ClinVar contains an entry for this variant (Variation ID: 167067). This variant is not present in population databases (ExAC no frequency).

Eurofins Ntd Llc (ga)
Classification: Pathogenic. Last evaluated: 2014-01-15. Review status: criteria provided, single submitter. Criteria: EGL Classification Definitions 2015. Collection method: clinical testing. Allele origin: germline. Observed: 2 variant alleles, 2 heterozygotes.

Literature cited by the submitters: PubMed 11865300 (cited by Labcorp Genetics (formerly Invitae), Labcorp); PubMed 21398687 (cited by Labcorp Genetics (formerly Invitae), Labcorp).

NM_000143.4(FH):c.737del (p.Gln246fs)

Gene: FH (fumarate hydratase; minus strand). Cytogenetic location: 1q43.
Variant type: Deletion.
Coding change: c.737del on transcript NM_000143.4 (MANE Select); coding-DNA position 737, one base deleted (A; older notation c.737delA).
Protein change: p.Gln246fs; shifts the reading frame from glutamine 246.
Molecular consequence: frameshift variant.
Genome position (GRCh38, 1-based): chr1:241,508,604, T deleted on the plus strand (A on the coding strand, the reverse complement: FH is on the minus strand). VCF-style (leftmost placement, unchanged base first): chr1-241508603-CT-C. GRCh37 (hg19) VCF-style: chr1-241671903-CT-C.
Other names: short protein forms Q246fs.
Identifiers: ClinVar variation 167067 (VCV000167067.13), dbSNP rs727503928, ClinGen allele CA233991.